The following is an entry in ClinVar:

ClinVar aggregate classification (germline): Uncertain significance (1 of 4 stars; one submission).

Conditions:
Inborn genetic diseases. Identifiers: MedGen C0950123, MeSH D030342.

Submission:

Ambry Genetics
Classification: Uncertain significance for Inborn genetic diseases. Last evaluated: 2022-03-12. Review status: criteria provided, single submitter. Criteria: Ambry Variant Classification Scheme 2023. Collection method: clinical testing. Allele origin: germline.
Comment: The p.G807E variant (also known as c.2420G>A), located in coding exon 11 of the ATR gene, results from a G to A substitution at nucleotide position 2420. The glycine at codon 807 is replaced by glutamic acid, an amino acid with similar properties. This amino acid position is conserved. In addition, this alteration is predicted to be tolerated by in silico analysis. Since supporting evidence is limited at this time, the clinical significance of this alteration remains unclear.

NM_001184.4(ATR):c.2420G>A (p.Gly807Glu)

Gene: ATR (ATR checkpoint kinase; minus strand). Cytogenetic location: 3q23.
Variant type: single nucleotide variant.
Coding change: c.2420G>A on transcript NM_001184.4 (MANE Select); coding-DNA position 2420, G replaced by A.
Protein change: p.Gly807Glu; replaces glycine 807 with glutamic acid.
Molecular consequence: missense variant.
Genome position (GRCh38, 1-based): chr3:142,553,937, C>T on the plus strand (G>A on the coding strand, the complement: ATR is on the minus strand). VCF-style: chr3-142553937-C-T. GRCh37 (hg19) VCF-style: chr3-142272779-C-T.
Other names: c.2228G>A, p.Gly743Glu (NM_001354579.2); short protein forms G807E, G743E.
Identifiers: ClinVar variation 1791017 (VCV001791017.2), dbSNP rs2108465688, ClinGen allele CA354816856.
Genomic context (GRCh38, chr3:142,553,937, plus strand): 5'-TTTCCACTAAAAGCCACTCTAACATCTTTGTCTGGATCTTCCATTAAATTTAATAAAGTT[C>T]CAAGAACTGCTTTTACATCTGTTTCATCTTCTCTAAAATCAAGATGCTTACAAAGATGAT-3'
Protein context (NP_001175.2, residues 797-817): EDETDVKAVL[Gly807Glu]TLLNLMEDPD